The following is an entry in ClinVar:

NM_002076.4(GNS):c.926G>A (p.Arg309Lys)

Gene: GNS (glucosamine (N-acetyl)-6-sulfatase; minus strand). Cytogenetic location: 12q14.3.
Variant type: single nucleotide variant.
Coding change: c.926G>A on transcript NM_002076.4 (MANE Select); coding-DNA position 926, G replaced by A.
Protein change: p.Arg309Lys; replaces arginine 309 with lysine.
Molecular consequence: missense variant.
Genome position (GRCh38, 1-based): chr12:64,739,449, C>T on the plus strand (G>A on the coding strand, the complement: GNS is on the minus strand). VCF-style: chr12-64739449-C-T. GRCh37 (hg19) VCF-style: chr12-65133229-C-T.
Other names: short protein forms R309K.
Identifiers: ClinVar variation 2140501 (VCV002140501.4), dbSNP rs750944174, ClinGen allele CA6669801.
Genomic context (GRCh38, chr12:64,739,449, plus strand): 5'-TAGCCATTGTCTGAGGTATAGAAGATGTAAGTGTTGTTGAGCTCCCCAGTGAACTCCAGC[C>T]TCTTGACCAGTTTCTCCACAAGGTCATCAACTGAGAGGAGAGTTTGCCACCTGGATGTGA-3'
Protein context (NP_002067.1, residues 299-319): VDDLVEKLVK[Arg309Lys]LEFTGELNNT

ClinVar aggregate classification (germline): Conflicting classifications of pathogenicity. Review status: criteria provided, conflicting classifications (1 of 4 stars). 2 submissions from 2 submitters: Uncertain significance (1); Likely benign (1). Last evaluated 2024-12-09.

Conditions:
Mucopolysaccharidosis, MPS-III-D (MPS3D). Also called: N-ACETYLGLUCOSAMINE-6-SULFATASE DEFICIENCY; SANFILIPPO SYNDROME D; MPS III D; Mucopoly-saccharidosis type 3D; N-acetylglucosamine-6-sulfate sulfatase deficiency; MPS 3D. Identifiers: Orphanet 581, Orphanet 79272, MedGen C0086650, MONDO:0009658, OMIM 252940.

Allele frequency attached by ClinVar (database versions not stated): TOPMed below 0.00001; ExAC 0.00001; gnomAD exomes below 0.00001.
gnomAD v4.1: 5 of 1,610,676 alleles (0.00031%); highest among the groups gnomAD compares: Middle Eastern, 0.017%; no homozygotes.

Submissions (2):

Labcorp Genetics (formerly Invitae), Labcorp
Classification: Uncertain significance for Mucopolysaccharidosis, MPS-III-D. Last evaluated: 2024-12-09. Review status: criteria provided, single submitter. Criteria: Invitae Variant Classification Sherloc (09022015). Collection method: clinical testing. Allele origin: germline.
Comment: This sequence change replaces arginine, which is basic and polar, with lysine, which is basic and polar, at codon 309 of the GNS protein (p.Arg309Lys). This variant is present in population databases (rs750944174, gnomAD 0.0009%). This variant has not been reported in the literature in individuals affected with GNS-related conditions. ClinVar contains an entry for this variant (Variation ID: 2140501). Invitae Evidence Modeling of protein sequence and biophysical properties (such as structural, functional, and spatial information, amino acid conservation, physicochemical variation, residue mobility, and thermodynamic stability) indicates that this missense variant is not expected to disrupt GNS protein function with a negative predictive value of 80%. In summary, the available evidence is currently insufficient to determine the role of this variant in disease. Therefore, it has been classified as a Variant of Uncertain Significance.

3billion
Classification: Likely benign for Mucopolysaccharidosis, MPS-III-D. Last evaluated: 2024-09-20. Review status: criteria provided, single submitter. Criteria: ACMG Guidelines, 2015. Collection method: clinical testing. Allele origin: germline. Affected: no.
Comment: The homozygous variant was found in patients diagnosed with another variant in a different gene, with no symptoms related to the gene containing the homozygous variant.